The following is an entry in ClinVar:

NM_020686.6(ABAT):c.226A>G (p.Asn76Asp)

Gene: ABAT (4-aminobutyrate aminotransferase; plus strand). Cytogenetic location: 16p13.2.
Variant type: single nucleotide variant.
Coding change: c.226A>G on transcript NM_020686.6 (MANE Select); coding-DNA position 226, A replaced by G.
Protein change: p.Asn76Asp; replaces asparagine 76 with aspartic acid.
Molecular consequence: missense variant. On other transcripts: intron variant (2).
Genome position (GRCh38, 1-based): chr16:8,750,449, A>G. VCF-style: chr16-8750449-A-G. GRCh37 (hg19) VCF-style: chr16-8844306-A-G.
Other names: c.226A>G, p.Asn76Asp (NM_001386608.1, NM_001386609.1, NM_001386615.1 and 11 more transcripts); c.91A>G, p.Asn31Asp (NM_001386611.1, NM_001386612.1, NM_001386613.1); c.101-10A>G (NM_001386610.1); c.71-7308A>G (NM_001386614.1); short protein forms N31D, N76D.
Identifiers: ClinVar variation 2040373 (VCV002040373.4), dbSNP rs1397904463, ClinGen allele CA394687800.

ClinVar aggregate classification (germline): Uncertain significance (1 of 4 stars; one submission).

Conditions:
Gamma-aminobutyric acid transaminase deficiency (GABATD). Also called: GABA transaminase deficiency; Gamma aminobutyrate transaminase deficiency; 4 alpha aminobutyrate transaminase deficiency; GABA aminotransaminase deficiency. Identifiers: Orphanet 2066, MedGen C0342708, MONDO:0013166, OMIM 613163.

Allele frequency attached by ClinVar (database versions not stated): TOPMed below 0.00001.

Submission:

Labcorp Genetics (formerly Invitae), Labcorp
Classification: Uncertain significance for Gamma-aminobutyric acid transaminase deficiency. Last evaluated: 2022-07-19. Review status: criteria provided, single submitter. Criteria: Invitae Variant Classification Sherloc (09022015). Collection method: clinical testing. Allele origin: germline.
Comment: In summary, the available evidence is currently insufficient to determine the role of this variant in disease. Therefore, it has been classified as a Variant of Uncertain Significance. Algorithms developed to predict the effect of missense changes on protein structure and function (SIFT, PolyPhen-2, Align-GVGD) all suggest that this variant is likely to be tolerated. This variant has not been reported in the literature in individuals affected with ABAT-related conditions. This variant is present in population databases (no rsID available, gnomAD 0.004%). This sequence change replaces asparagine, which is neutral and polar, with aspartic acid, which is acidic and polar, at codon 76 of the ABAT protein (p.Asn76Asp).